The following is an entry in ClinVar:

ClinVar aggregate classification (germline): Uncertain significance (1 of 4 stars; one submission).

gnomAD v4.1: 1 of 1,551,890 alleles (0.000064%); highest among the groups gnomAD compares: Middle Eastern, 0.017%; no homozygotes.

Submission:

Labcorp Genetics (formerly Invitae), Labcorp
Classification: Uncertain significance. Last evaluated: 2025-04-28. Review status: criteria provided, single submitter. Criteria: Invitae Variant Classification Sherloc (09022015). Collection method: clinical testing. Allele origin: germline.
Comment: This sequence change replaces histidine, which is basic and polar, with glutamine, which is neutral and polar, at codon 355 of the DTHD1 protein (p.His355Gln). This variant is not present in population databases (gnomAD no frequency). This variant has not been reported in the literature in individuals affected with DTHD1-related conditions. ClinVar contains an entry for this variant (Variation ID: 2833688). An algorithm developed to predict the effect of missense changes on protein structure and function outputs the following: PolyPhen-2: "Benign". The glutamine amino acid residue is found in multiple mammalian species, which suggests that this missense change does not adversely affect protein function. In summary, the available evidence is currently insufficient to determine the role of this variant in disease. Therefore, it has been classified as a Variant of Uncertain Significance.

NM_001170700.3(DTHD1):c.1935T>A (p.His645Gln)

Gene: DTHD1 (death domain containing 1; plus strand). Cytogenetic location: 4p14.
Variant type: single nucleotide variant.
Coding change: c.1935T>A on transcript NM_001170700.3 (MANE Select); coding-DNA position 1935, T replaced by A.
Protein change: p.His645Gln; replaces histidine 645 with glutamine.
Molecular consequence: missense variant. On other transcripts: non-coding transcript variant (2).
Genome position (GRCh38, 1-based): chr4:36,308,333, T>A. VCF-style: chr4-36308333-T-A. GRCh37 (hg19) VCF-style: chr4-36309955-T-A.
Other names: c.1065T>A, p.His355Gln (NM_001136536.5); c.1002T>A, p.His334Gln (NM_001378435.1); short protein forms H334Q, H355Q, H645Q.
Identifiers: ClinVar variation 2833688 (VCV002833688.3), dbSNP rs2529768355, ClinGen allele CA356680941.
Genomic context (GRCh38, chr4:36,308,333, plus strand): 5'-GGAAGCCATGCTCAGCACCACTGCCTGCATAGTACTGTCTCACCAGAAGGACAATCCACA[T>A]AGAATAGCTGTTTTAGTGGTGCCTTCCAAAGATTTAAGCCAGGTGCTTAAGGACCTGCAC-3'
Protein context (NP_001164171.2, residues 635-655): IVLSHQKDNP[His645Gln]RIAVLVVPSK